The following is an entry in ClinVar:

ClinVar aggregate classification (germline): Likely benign. Review status: criteria provided, multiple submitters, no conflicts (2 of 4 stars). 3 submissions from 3 submitters: Likely benign (2). 1 of the submissions does not count toward it. Last evaluated 2025-11-10.

Conditions:
LTBP2-related disorder. Also called: LTBP2-related disorders; LTBP2-related condition.

Allele frequency attached by ClinVar (database versions not stated): ExAC 0.00007; ESP Exome Variant Server 0.00008; TOPMed 0.00012; 1000 Genomes Project 30x 0.00047; 1000 Genomes Project 0.00060.
gnomAD v4.1: 47 of 1,614,162 alleles (0.0029%); highest among the groups gnomAD compares: Middle Eastern, 0.033%; no homozygotes.

Submissions (3):

Labcorp Genetics (formerly Invitae), Labcorp
Classification: Likely benign. Last evaluated: 2025-11-10. Review status: criteria provided, single submitter. Criteria: Invitae Variant Classification Sherloc (09022015). Collection method: clinical testing. Allele origin: germline.

Blueprint Genetics
Classification: Likely benign. Last evaluated: 2023-03-03. Review status: criteria provided, single submitter. Criteria: ACMG Guidelines, 2015. Collection method: clinical testing. Allele origin: germline.

PreventionGenetics, part of Exact Sciences
Classification: Likely benign for LTBP2-related condition. Last evaluated: 2019-02-28. Review status: no assertion criteria provided. Collection method: clinical testing. Allele origin: germline. Not counted in ClinVar's aggregate classification.
Comment: This variant is classified as likely benign based on ACMG/AMP sequence variant interpretation guidelines (Richards et al. 2015 PMID: 25741868, with internal and published modifications).

NM_000428.3(LTBP2):c.5223C>T (p.Asn1741=)

Gene: LTBP2 (latent transforming growth factor beta binding protein 2; minus strand). Cytogenetic location: 14q24.3.
Variant type: single nucleotide variant.
Coding change: c.5223C>T on transcript NM_000428.3 (MANE Select); coding-DNA position 5223, C replaced by T.
Protein change: p.Asn1741=; no amino-acid change (asparagine 1741 retained).
Molecular consequence: synonymous variant.
Genome position (GRCh38, 1-based): chr14:74,501,538, G>A on the plus strand (C>T on the coding strand, the complement: LTBP2 is on the minus strand). VCF-style: chr14-74501538-G-A. GRCh37 (hg19) VCF-style: chr14-74968241-G-A.
Other names: c.5223C>T (NM_000428.2).
Identifiers: ClinVar variation 1593639 (VCV001593639.11), dbSNP rs200772274, ClinGen allele CA7268472.
Genomic context (GRCh38, chr14:74,501,538, plus strand): 5'-CTCAAAACAGTCACAGGTGTAGCCCTCCCGCACGCGCACACAGCGGCCATTCTCACAGCC[G>A]TTCAGGATGCCGCACTCCTCCGCCTGAAGCCCTTCGAAGCCGGCTGGGGGCTCTGGGAGG-3'
Protein context (NP_000419.1, residues 1731-1751): GLQAEECGIL[Asn1741=]GCENGRCVRV